The following is an entry in ClinVar:

ClinVar aggregate classification (germline): Benign/Likely benign. Review status: criteria provided, multiple submitters, no conflicts (2 of 4 stars). 6 submissions from 6 submitters: Benign (1); Likely benign (2). 3 of the submissions do not count toward it. Last evaluated 2026-03-01.

Conditions:
Dystonic disorder. Also called: Dystonia. Identifiers: MedGen C0013421, MONDO:0003441, HP:0001332.
CIZ1-related disorder. Also called: CIZ1-related condition.

Allele frequency attached by ClinVar (database versions not stated): ESP Exome Variant Server 0.00023; TOPMed 0.00029; gnomAD 0.00056 and 0.00058; ExAC 0.00100.
gnomAD v4.1: 621 of 1,565,736 alleles (0.04%); highest among the groups gnomAD compares: Non-Finnish European, 0.044%; 3 homozygotes.

Submissions (6):

CeGaT Center for Human Genetics Tuebingen
Classification: Likely benign. Last evaluated: 2026-03-01. Review status: criteria provided, single submitter. Criteria: CeGaT Center For Human Genetics Tuebingen Variant Classification Criteria Version 2. Collection method: clinical testing. Allele origin: germline. Affected: yes. Observed: 2 variant alleles.
Comment: CIZ1: BP4, BP7

Labcorp Genetics (formerly Invitae), Labcorp
Classification: Benign for Dystonic disorder. Last evaluated: 2026-01-15. Review status: criteria provided, single submitter. Criteria: Invitae Variant Classification Sherloc (09022015). Collection method: clinical testing. Allele origin: germline.

Blueprint Genetics
Classification: Likely benign. Last evaluated: 2024-11-27. Review status: criteria provided, single submitter. Criteria: ACMG Guidelines, 2015. Collection method: clinical testing. Allele origin: germline.

PreventionGenetics, part of Exact Sciences
Classification: Likely benign for CIZ1-related condition. Last evaluated: 2019-12-03. Review status: no assertion criteria provided. Collection method: clinical testing. Allele origin: germline. Not counted in ClinVar's aggregate classification.
Comment: This variant is classified as likely benign based on ACMG/AMP sequence variant interpretation guidelines (Richards et al. 2015 PMID: 25741868, with internal and published modifications).

Clinical Genetics DNA and cytogenetics Diagnostics Lab, Erasmus MC, Erasmus Medical Center
Classification: Likely benign. Review status: no assertion criteria provided. Collection method: clinical testing. Allele origin: germline. Affected: yes. Study: VKGL Data-share Consensus. Not counted in ClinVar's aggregate classification.

Diagnostic Laboratory, Department of Genetics, University Medical Center Groningen
Classification: Likely benign. Review status: no assertion criteria provided. Collection method: clinical testing. Allele origin: germline. Affected: yes. Study: VKGL Data-share Consensus. Not counted in ClinVar's aggregate classification.

NM_001131016.2(CIZ1):c.2562C>T (p.Asn854=)

Gene: CIZ1 (CDKN1A interacting zinc finger protein 1; minus strand). Cytogenetic location: 9q34.11.
Variant type: single nucleotide variant.
Coding change: c.2562C>T on transcript NM_001131016.2 (MANE Select); coding-DNA position 2562, C replaced by T.
Protein change: p.Asn854=; no amino-acid change (asparagine 854 retained).
Molecular consequence: synonymous variant.
Genome position (GRCh38, 1-based): chr9:128,166,332, G>A on the plus strand (C>T on the coding strand, the complement: CIZ1 is on the minus strand). VCF-style: chr9-128166332-G-A. GRCh37 (hg19) VCF-style: chr9-130928611-G-A.
Other names: c.2394C>T, p.Asn798= (NM_001131015.2); c.2379C>T, p.Asn793= (NM_001131017.2); c.2322C>T, p.Asn774= (NM_001131018.2); c.2730C>T, p.Asn910= (NM_001257975.2); c.2259C>T, p.Asn753= (NM_001257976.2); c.2562C>T, p.Asn854= (NM_012127.3).
Identifiers: ClinVar variation 695540 (VCV000695540.50), dbSNP rs11549264, ClinGen allele CA5256970.
Genomic context (GRCh38, chr9:128,166,332, plus strand): 5'-GTCCTGGGTGTTGGGCTGGGAGGGTGGGCGGCCGCTGGAGGTGAACAGGGCTGTCAAAGC[G>A]TTCCGGGCGTTGATTGCGCACCGGCGGCTCACAGGTCGGGTGGTGGGGCTGGGGTTCTTG-3'
Protein context (NP_001124488.1, residues 844-864): VSRRCAINAR[Asn854=]ALTALFTSSG